The following is an entry in ClinVar:

ClinVar aggregate classification (germline): Pathogenic. Review status: criteria provided, single submitter (1 of 4 stars). 2 submissions from 2 submitters: Pathogenic (1). 1 of the submissions does not count toward it. Last evaluated 2014-12-10.

Conditions:
Angelman syndrome (AS). Also called: HAPPY PUPPET SYNDROME. Identifiers: Orphanet 72, MedGen C0162635, MONDO:0007113, OMIM 105830. Disease mechanism: loss of function. Inheritance: AS is caused by disruption of maternally imprinted UBE3A located within the 15q11.2-q13 Angelman syndrome/Prader-Willi syndrome (AS/PWS) region., imprinting disorder.

Submissions (2):

Genetic Services Laboratory, University of Chicago
Classification: Pathogenic for Angelman syndrome. Last evaluated: 2014-12-10. Review status: criteria provided, single submitter. Criteria: ACMG Guidelines, 2015. Collection method: clinical testing. Allele origin: germline. Affected: yes.

Baylor Genetics
Classification: Pathogenic for Angelman Syndrome. Last evaluated: 2014-02-14. Review status: no assertion criteria provided. Collection method: clinical testing. Allele origin: germline. Affected: yes. Observed: 1 variant allele. Study: UBE3A Mutation Study. Not counted in ClinVar's aggregate classification.
Comment: Data collected from clinical UBE3A sequence analysis results

Literature cited by the submitters: PubMed 25212744 (cited by Baylor Genetics).

NM_130839.5(UBE3A):c.1597dup (p.Ala533fs)

Genes: SNHG14 (small nucleolar RNA host gene 14; plus strand), UBE3A (ubiquitin protein ligase E3A; minus strand). Cytogenetic location: 15q11.2.
Variant type: Duplication.
Coding change: c.1597dup on transcript NM_130839.5 (MANE Select); coding-DNA position 1597, one base duplicated (G; older notation c.1597dupG).
Protein change: p.Ala533fs; shifts the reading frame from alanine 533.
Molecular consequence: frameshift variant. On other transcripts: non-coding transcript variant (1), intron variant (2).
Genome position (GRCh38, 1-based): chr15:25,370,577, C duplicated on the plus strand (G on the coding strand, the reverse complement: UBE3A is on the minus strand). VCF-style (leftmost placement, unchanged base first): chr15-25370576-G-GC. GRCh37 (hg19) VCF-style: chr15-25615723-G-GC.
Other names: c.1606dup, p.Ala536fs (NM_000462.5); c.1597dup, p.Ala533fs (NM_001354505.1, NM_001354538.2, NM_001354545.2); c.1537dup, p.Ala513fs (NM_001354506.2, NM_001354507.2, NM_001354508.2 and 17 more transcripts); c.1420dup, p.Ala474fs (NM_001354546.2); c.301+4888dup (NM_001354551.2); c.361+4888dup (NM_001354550.2); short protein forms A474fs, A533fs, A536fs, A513fs.
Identifiers: ClinVar variation 155955 (VCV000155955.6), dbSNP rs587781204, ClinGen allele CA333322.